The following is an entry in ClinVar:

ClinVar aggregate classification (germline): Uncertain significance. Review status: criteria provided, multiple submitters, no conflicts (2 of 4 stars). 2 submissions from 2 submitters: Uncertain significance (2). Last evaluated 2024-01-02.

Conditions:
Zimmermann-Laband syndrome 1 (ZLS1). Identifiers: Orphanet 3473, MedGen C4551773, MONDO:0024526, OMIM 135500.
Temple-Baraitser syndrome (TMBTS). Also called: Severe mental retardation and absent nails of hallux and pollex. Identifiers: Orphanet 420561, MedGen C2678486, MONDO:0012735, OMIM 611816.

gnomAD v4.1: 3 of 1,614,208 alleles (0.00019%); highest among the groups gnomAD compares: Non-Finnish European, 0.00025%; no homozygotes.

Submissions (2):

Fulgent Genetics
Classification: Uncertain significance for Zimmermann-Laband syndrome 1; Temple-Baraitser syndrome. Last evaluated: 2024-01-02. Review status: criteria provided, single submitter. Criteria: ACMG Guidelines, 2015. Collection method: clinical testing. Allele origin: germline.

GeneDx
Classification: Uncertain significance. Last evaluated: 2019-06-10. Review status: criteria provided, single submitter. Criteria: GeneDx Variant Classification Process June 2021. Collection method: clinical testing. Allele origin: germline. Affected: yes.
Comment: Not observed in large population cohorts (Lek et al., 2016); In silico analysis, which includes protein predictors and evolutionary conservation, supports a deleterious effect; Has not been previously published as pathogenic or benign to our knowledge

NM_172362.3(KCNH1):c.2788A>G (p.Arg930Gly)

Gene: KCNH1 (potassium voltage-gated channel subfamily H member 1; minus strand). Cytogenetic location: 1q32.2.
Variant type: single nucleotide variant.
Coding change: c.2788A>G on transcript NM_172362.3 (MANE Select); coding-DNA position 2788, A replaced by G.
Protein change: p.Arg930Gly; replaces arginine 930 with glycine.
Molecular consequence: missense variant.
Genome position (GRCh38, 1-based): chr1:210,683,463, T>C on the plus strand (A>G on the coding strand, the complement: KCNH1 is on the minus strand). VCF-style: chr1-210683463-T-C. GRCh37 (hg19) VCF-style: chr1-210856805-T-C.
Other names: c.2707A>G, p.Arg903Gly (NM_002238.4); short protein forms R903G, R930G.
Identifiers: ClinVar variation 1306379 (VCV001306379.3), dbSNP rs2149000661, ClinGen allele CA344870432.